The following is an entry in ClinVar:

NM_000426.4(LAMA2):c.190G>T (p.Glu64Ter)

Gene: LAMA2 (laminin subunit alpha 2; plus strand). Cytogenetic location: 6q22.33.
Variant type: single nucleotide variant.
Coding change: c.190G>T on transcript NM_000426.4 (MANE Select); coding-DNA position 190, G replaced by T.
Protein change: p.Glu64Ter; replaces glutamic acid 64 with a stop codon.
Molecular consequence: nonsense.
Genome position (GRCh38, 1-based): chr6:129,049,995, G>T. VCF-style: chr6-129049995-G-T. GRCh37 (hg19) VCF-style: chr6-129371140-G-T.
Other names: c.190G>T, p.Glu64Ter (NM_001079823.2); short protein forms E64*.
Identifiers: ClinVar variation 983618 (VCV000983618.4), dbSNP rs1231305572, ClinGen allele CA365828548.

ClinVar aggregate classification (germline): Likely pathogenic (1 of 4 stars; one submission).

Conditions:
LAMA2-related muscular dystrophy (LAMA2-RD). Also called: Laminin alpha 2-related dystrophy. Identifiers: MedGen C5679788, MONDO:0100228.

Submission:

Myriad Genetics, Inc.
Classification: Likely pathogenic for LAMA2-related muscular dystrophy. Last evaluated: 2019-12-23. Review status: criteria provided, single submitter. Criteria: Myriad Autosomal Dominant, Autosomal Recessive and X-Linked Classification Criteria (2023). Collection method: clinical testing. Allele origin: unknown.
Comment: NM_000426.3(LAMA2):c.190G>T(E64*) is expected to be pathogenic in the context of LAMA2-related muscular dystrophy. This variant is predicted to lead to an abnormal or absent protein product due to the creation of a premature termination codon in LAMA2, a gene where loss-of-function variants are known to be pathogenic. Please note: this variant was assessed in the context of healthy population screening.